The following is an entry in ClinVar:

NM_004260.4(RECQL4):c.1687G>T (p.Glu563Ter)

Gene: RECQL4 (RecQ like helicase 4; minus strand). Cytogenetic location: 8q24.3.
Variant type: single nucleotide variant.
Coding change: c.1687G>T on transcript NM_004260.4 (MANE Select); coding-DNA position 1687, G replaced by T.
Protein change: p.Glu563Ter; replaces glutamic acid 563 with a stop codon.
Molecular consequence: nonsense.
Genome position (GRCh38, 1-based): chr8:144,514,459, C>A on the plus strand (G>T on the coding strand, the complement: RECQL4 is on the minus strand). VCF-style: chr8-144514459-C-A. GRCh37 (hg19) VCF-style: chr8-145739843-C-A.
Other names: short protein forms E563*.
Identifiers: ClinVar variation 1441911 (VCV001441911.6), dbSNP rs1416634281, ClinGen allele CA372681582.

ClinVar aggregate classification (germline): Pathogenic (1 of 4 stars; one submission).

Conditions:
Baller-Gerold syndrome (BGS). Also called: CRANIOSYNOSTOSIS WITH RADIAL DEFECTS. Identifiers: Orphanet 1225, MedGen C0265308, MONDO:0009039, OMIM 218600.

Submission:

Labcorp Genetics (formerly Invitae), Labcorp
Classification: Pathogenic for Baller-Gerold syndrome. Last evaluated: 2021-08-30. Review status: criteria provided, single submitter. Criteria: Invitae Variant Classification Sherloc (09022015). Collection method: clinical testing. Allele origin: germline.
Comment: This sequence change creates a premature translational stop signal (p.Glu563*) in the RECQL4 gene. It is expected to result in an absent or disrupted protein product. Loss-of-function variants in RECQL4 are known to be pathogenic (PMID: 12734318, 12952869). This variant is not present in population databases (ExAC no frequency). This variant has not been reported in the literature in individuals affected with RECQL4-related conditions. For these reasons, this variant has been classified as Pathogenic.

Literature cited by the submitters: PubMed 12734318; PubMed 12952869.